The following is an entry in ClinVar:

NM_006904.7(PRKDC):c.6348T>C (p.Asp2116=)

Gene: PRKDC (protein kinase, DNA-activated, catalytic subunit; minus strand). Cytogenetic location: 8q11.21.
Variant type: single nucleotide variant.
Coding change: c.6348T>C on transcript NM_006904.7 (MANE Select); coding-DNA position 6348, T replaced by C.
Protein change: p.Asp2116=; no amino-acid change (aspartic acid 2116 retained).
Molecular consequence: synonymous variant.
Genome position (GRCh38, 1-based): chr8:47,858,633, A>G on the plus strand (T>C on the coding strand, the complement: PRKDC is on the minus strand). VCF-style: chr8-47858633-A-G. GRCh37 (hg19) VCF-style: chr8-48771194-A-G.
Other names: c.6348T>C, p.Asp2116= (NM_001081640.2).
Identifiers: ClinVar variation 542036 (VCV000542036.36), dbSNP rs200510022, ClinGen allele CA4740365.
Genomic context (GRCh38, chr8:47,858,633, plus strand): 5'-TGGATTTCCCAGTTTGCCATGGAGGAATTTCATCCAAGAAGGAAGATCTCTTGGCACTGA[A>G]TCCTAAAATAAAACATTCAAAATTACCTTAAAACGTGGAATAAAATAATGATACATTTTG-3'
Protein context (NP_008835.5, residues 2106-2126): RSLGPPQGEE[Asp2116=]SVPRDLPSWM

ClinVar aggregate classification (germline): Likely benign. Review status: criteria provided, multiple submitters, no conflicts (2 of 4 stars). 3 submissions from 3 submitters: Likely benign (3). Last evaluated 2026-01-31.

Conditions:
Severe combined immunodeficiency due to DNA-PKcs deficiency. Also called: IMMUNODEFICIENCY 26 WITH NEUROLOGIC ABNORMALITIES; Immunodeficiency 26 with or without neurologic abnormalities. Identifiers: Orphanet 317425, MedGen C4014833, MONDO:0014423, OMIM 615966.

Allele frequency attached by ClinVar (database versions not stated): 1000 Genomes Project 30x 0.00031; 1000 Genomes Project 0.00040; TOPMed 0.00063; gnomAD 0.00070; gnomAD exomes 0.00074 and 0.00110; ESP Exome Variant Server 0.00094; ExAC 0.00133.
gnomAD v4.1: 1,640 of 1,511,178 alleles (0.11%); highest among the groups gnomAD compares: Middle Eastern, 0.19%; 1 homozygote.

Submissions (3):

Labcorp Genetics (formerly Invitae), Labcorp
Classification: Likely benign for Severe combined immunodeficiency due to DNA-PKcs deficiency. Last evaluated: 2026-01-31. Review status: criteria provided, single submitter. Criteria: Invitae Variant Classification Sherloc (09022015). Collection method: clinical testing. Allele origin: germline.

Blueprint Genetics
Classification: Likely benign. Last evaluated: 2024-11-13. Review status: criteria provided, single submitter. Criteria: ACMG Guidelines, 2015. Collection method: clinical testing. Allele origin: germline.

CeGaT Center for Human Genetics Tuebingen
Classification: Likely benign. Last evaluated: 2022-04-01. Review status: criteria provided, single submitter. Criteria: CeGaT Center For Human Genetics Tuebingen Variant Classification Criteria Version 2. Collection method: clinical testing. Allele origin: germline. Affected: yes. Observed: 1 variant allele.
Comment: PRKDC: BP4, BP7